The following is an entry in ClinVar:

NM_012293.3(PXDN):c.1789C>T (p.Arg597Trp)

Gene: PXDN (peroxidasin; minus strand). Cytogenetic location: 2p25.3.
Variant type: single nucleotide variant.
Coding change: c.1789C>T on transcript NM_012293.3 (MANE Select); coding-DNA position 1789, C replaced by T.
Protein change: p.Arg597Trp; replaces arginine 597 with tryptophan.
Molecular consequence: missense variant.
Genome position (GRCh38, 1-based): chr2:1,660,929, G>A on the plus strand (C>T on the coding strand, the complement: PXDN is on the minus strand). VCF-style: chr2-1660929-G-A. GRCh37 (hg19) VCF-style: chr2-1664701-G-A.
Other names: c.1789C>T (NM_012293.1); short protein forms R597W.
Identifiers: ClinVar variation 1461295 (VCV001461295.8), dbSNP rs373022614, ClinGen allele CA1513210.
Genomic context (GRCh38, chr2:1,660,929, plus strand): 5'-GTGGCATCTTACCATTCACACTGAGCACCATGCTCACCGAGGCCGACCCAATGGTGTTCC[G>A]GGCCACACACTCATAGCGACCTGCGTCTGCAGGGCCAACGTCATTGATGGTCAAGAATCC-3'
Protein context (NP_036425.1, residues 587-607): ADAGRYECVA[Arg597Trp]NTIGSASVSM

ClinVar aggregate classification (germline): Uncertain significance. Review status: criteria provided, multiple submitters, no conflicts (2 of 4 stars). 3 submissions from 3 submitters: Uncertain significance (3). Last evaluated 2025-07-12.

Conditions:
Inborn genetic diseases. Identifiers: MedGen C0950123, MeSH D030342.
Anterior segment dysgenesis 7 (ASGD7). Also called: SCLEROCORNEA WITH OTHER OCULAR ANOMALIES; Anterior segment dysgenesis 7, with sclerocornea. Identifiers: Orphanet 289499, MedGen C3151617, MONDO:0010015, OMIM 269400.

Allele frequency attached by ClinVar (database versions not stated): gnomAD exomes 0.00003 and 0.00005; ExAC 0.00005; TOPMed 0.00013; gnomAD 0.00014 and 0.00016; ESP Exome Variant Server 0.00016.
gnomAD v4.1: 72 of 1,613,862 alleles (0.0045%); highest among the groups gnomAD compares: African/African-American, 0.049%; 1 homozygote.

Submissions (3):

Ambry Genetics
Classification: Uncertain significance for Inborn genetic diseases. Last evaluated: 2025-07-12. Review status: criteria provided, single submitter. Criteria: Ambry Variant Classification Scheme 2023. Collection method: clinical testing. Allele origin: germline.

Labcorp Genetics (formerly Invitae), Labcorp
Classification: Uncertain significance for Anterior segment dysgenesis 7. Last evaluated: 2021-10-21. Review status: criteria provided, single submitter. Criteria: Invitae Variant Classification Sherloc (09022015). Collection method: clinical testing. Allele origin: germline.
Comment: This variant is present in population databases (rs373022614, gnomAD 0.04%). In summary, the available evidence is currently insufficient to determine the role of this variant in disease. Therefore, it has been classified as a Variant of Uncertain Significance. Algorithms developed to predict the effect of missense changes on protein structure and function are either unavailable or do not agree on the potential impact of this missense change (SIFT: "Deleterious"; PolyPhen-2: "Benign"; Align-GVGD: "Class C0"). This variant has not been reported in the literature in individuals affected with PXDN-related conditions. This sequence change replaces arginine, which is basic and polar, with tryptophan, which is neutral and slightly polar, at codon 597 of the PXDN protein (p.Arg597Trp).

Breakthrough Genomics
Classification: Uncertain significance. Review status: criteria provided, single submitter. Criteria: ACMG Guidelines, 2015. Collection method: not provided. Allele origin: germline. Inheritance: Autosomal recessive inheritance. Affected: yes.